The following is an entry in ClinVar:

NM_152879.3(DGKD):c.1494G>A (p.Ser498=)

Gene: DGKD (diacylglycerol kinase delta; plus strand). Cytogenetic location: 2q37.1.
Variant type: single nucleotide variant.
Coding change: c.1494G>A on transcript NM_152879.3 (MANE Select); coding-DNA position 1494, G replaced by A.
Protein change: p.Ser498=; no amino-acid change (serine 498 retained).
Molecular consequence: synonymous variant.
Genome position (GRCh38, 1-based): chr2:233,448,161, G>A. VCF-style: chr2-233448161-G-A. GRCh37 (hg19) VCF-style: chr2-234356807-G-A.
Other names: c.1095G>A, p.Ser365= (NM_001377259.1); c.1362G>A, p.Ser454= (NM_003648.3).
Identifiers: ClinVar variation 3056355 (VCV003056355.2), dbSNP rs10208953, ClinGen allele CA2175275.

ClinVar aggregate classification (germline): Benign (0 of 4 stars; one submission).

Conditions:
DGKD-related disorder. Also called: DGKD-related condition.

Allele frequency attached by ClinVar (database versions not stated): 1000 Genomes Project 0.01038; 1000 Genomes Project 30x 0.01202; TOPMed 0.01809; gnomAD 0.01957; ESP Exome Variant Server 0.02199; ExAC 0.02485; gnomAD exomes 0.02720.
gnomAD v4.1: 42,683 of 1,614,194 alleles (2.6%); highest among the groups gnomAD compares: Middle Eastern, 7%; 706 homozygotes.

Submission:

PreventionGenetics, part of Exact Sciences
Classification: Benign for DGKD-related condition. Last evaluated: 2019-02-20. Review status: no assertion criteria provided. Collection method: clinical testing. Allele origin: germline.
Comment: This variant is classified as benign based on ACMG/AMP sequence variant interpretation guidelines (Richards et al. 2015 PMID: 25741868, with internal and published modifications).